The following is an entry in ClinVar:

NM_016363.5(GP6):c.*599G>A

Gene: GP6 (glycoprotein VI platelet; minus strand). Cytogenetic location: 19q13.42.
Variant type: single nucleotide variant.
Coding change: c.*599G>A on transcript NM_016363.5 (MANE Select); 599 bases downstream of the stop codon, G replaced by A.
Molecular consequence: 3 prime UTR variant. On other transcripts: synonymous variant (1).
Genome position (GRCh38, 1-based): chr19:55,014,322, C>T on the plus strand (G>A on the coding strand, the complement: GP6 is on the minus strand). VCF-style: chr19-55014322-C-T. GRCh37 (hg19) VCF-style: chr19-55525690-C-T.
Other names: c.1623G>A, p.Leu541= (NM_001083899.2); c.*599G>A (NM_001256017.2).
Identifiers: ClinVar variation 1343517 (VCV001343517.8), dbSNP rs368531531, ClinGen allele CA310121128.

ClinVar aggregate classification (germline): Likely benign. Review status: criteria provided, multiple submitters, no conflicts (2 of 4 stars). 3 submissions from 3 submitters: Likely benign (2). 1 of the submissions does not count toward it. Last evaluated 2026-01-18.

Conditions:
GP6-related disorder. Also called: GP6-related condition.

Allele frequency attached by ClinVar (database versions not stated): ESP Exome Variant Server 0.00008; gnomAD 0.00008 and 0.00013; gnomAD exomes 0.00013 and 0.00039; 1000 Genomes Project 30x 0.00016; TOPMed 0.00017; 1000 Genomes Project 0.00020; ExAC 0.00035.

Submissions (3):

Labcorp Genetics (formerly Invitae), Labcorp
Classification: Likely benign. Last evaluated: 2026-01-18. Review status: criteria provided, single submitter. Criteria: Invitae Variant Classification Sherloc (09022015). Collection method: clinical testing. Allele origin: germline.

Women's Health and Genetics/Laboratory Corporation of America, LabCorp
Classification: Likely benign. Last evaluated: 2022-02-17. Review status: criteria provided, single submitter. Criteria: LabCorp Variant Classification Summary - May 2015. Collection method: clinical testing. Allele origin: germline.

PreventionGenetics, part of Exact Sciences
Classification: Likely benign for GP6-related condition. Last evaluated: 2019-02-19. Review status: no assertion criteria provided. Collection method: clinical testing. Allele origin: germline. Not counted in ClinVar's aggregate classification.
Comment: This variant is classified as likely benign based on ACMG/AMP sequence variant interpretation guidelines (Richards et al. 2015 PMID: 25741868, with internal and published modifications).